The following is an entry in ClinVar:

NM_014908.4(DOLK):c.311A>G (p.Asn104Ser)

Gene: DOLK (dolichol kinase; minus strand). Cytogenetic location: 9q34.11.
Variant type: single nucleotide variant.
Coding change: c.311A>G on transcript NM_014908.4 (MANE Select); coding-DNA position 311, A replaced by G.
Protein change: p.Asn104Ser; replaces asparagine 104 with serine.
Molecular consequence: missense variant.
Genome position (GRCh38, 1-based): chr9:128,946,993, T>C on the plus strand (A>G on the coding strand, the complement: DOLK is on the minus strand). VCF-style: chr9-128946993-T-C. GRCh37 (hg19) VCF-style: chr9-131709272-T-C.
Other names: short protein forms N104S.
Identifiers: ClinVar variation 4244193 (VCV004244193.1).

ClinVar aggregate classification (germline): Uncertain significance (1 of 4 stars; one submission).

Conditions:
Cardiovascular phenotype. Identifiers: MedGen CN230736.

gnomAD v4.1: 1 of 1,607,946 alleles (0.000062%); no homozygotes.

Submission:

Ambry Genetics
Classification: Uncertain significance for Cardiovascular phenotype. Last evaluated: 2025-08-28. Review status: criteria provided, single submitter. Criteria: Ambry Variant Classification Scheme 2023. Collection method: clinical testing. Allele origin: germline.
Comment: The p.N104S variant (also known as c.311A>G), located in coding exon 1 of the DOLK gene, results from an A to G substitution at nucleotide position 311. The asparagine at codon 104 is replaced by serine, an amino acid with highly similar properties. This amino acid position is conserved. In addition, this alteration is predicted to be tolerated by in silico analysis. Based on the available evidence, the clinical significance of this variant remains unclear.